The following is an entry in ClinVar:

NM_001999.4(FBN2):c.7900G>A (p.Gly2634Ser)

Gene: FBN2 (fibrillin 2; minus strand). Cytogenetic location: 5q23.3.
Variant type: single nucleotide variant.
Coding change: c.7900G>A on transcript NM_001999.4 (MANE Select); coding-DNA position 7900, G replaced by A.
Protein change: p.Gly2634Ser; replaces glycine 2634 with serine.
Molecular consequence: missense variant.
Genome position (GRCh38, 1-based): chr5:128,272,059, C>T on the plus strand (G>A on the coding strand, the complement: FBN2 is on the minus strand). VCF-style: chr5-128272059-C-T. GRCh37 (hg19) VCF-style: chr5-127607751-C-T.
Other names: short protein forms G2634S.
Identifiers: ClinVar variation 2744593 (VCV002744593.3), dbSNP rs2479631870, ClinGen allele CA360751721.
Genomic context (GRCh38, chr5:128,272,059, plus strand): 5'-CGACACACTGATTCCACTGGTAGTGCTGGATGTAGCCTTGGGGGCAGCCACATCTGTAGC[C>T]ACCCAGGATGTTCTGGCAGCCGTGTTGGCACCTGTGGTTCCCATCACATTCATCAACATC-3'
Protein context (NP_001990.2, residues 2624-2644): CQHGCQNILG[Gly2634Ser]YRCGCPQGYI

ClinVar aggregate classification (germline): Uncertain significance (1 of 4 stars; one submission).

Conditions:
Congenital contractural arachnodactyly (CCA). Also called: BEALS SYNDROME; Beals-Hecht syndrome; Arthrogryposis, distal, type 9. Identifiers: Orphanet 115, MedGen C0220668, MONDO:0007363, OMIM 121050.

Allele frequency attached by ClinVar (database versions not stated): gnomAD exomes 0.00001.
gnomAD v4.1: 6 of 1,613,958 alleles (0.00037%); highest among the groups gnomAD compares: Non-Finnish European, 0.00051%; no homozygotes.

Submission:

Labcorp Genetics (formerly Invitae), Labcorp
Classification: Uncertain significance for Congenital contractural arachnodactyly. Last evaluated: 2023-04-17. Review status: criteria provided, single submitter. Criteria: Invitae Variant Classification Sherloc (09022015). Collection method: clinical testing. Allele origin: germline.
Comment: In summary, the available evidence is currently insufficient to determine the role of this variant in disease. Therefore, it has been classified as a Variant of Uncertain Significance. Advanced modeling of protein sequence and biophysical properties (such as structural, functional, and spatial information, amino acid conservation, physicochemical variation, residue mobility, and thermodynamic stability) performed at Invitae indicates that this missense variant is not expected to disrupt FBN2 protein function. This variant has not been reported in the literature in individuals affected with FBN2-related conditions. This variant is not present in population databases (gnomAD no frequency). This sequence change replaces glycine, which is neutral and non-polar, with serine, which is neutral and polar, at codon 2634 of the FBN2 protein (p.Gly2634Ser).